The following is an entry in ClinVar:

ClinVar aggregate classification (germline): Likely pathogenic (1 of 4 stars; one submission).

Conditions:
Familial cancer of breast. Also called: Hereditary breast cancer; hereditary breast carcinoma; BREAST CANCER, FAMILIAL. Identifiers: Orphanet 227535, MedGen C0346153, MONDO:0016419, OMIM 114480. Disease mechanism: loss of function.

Submission:

Labcorp Genetics (formerly Invitae), Labcorp
Classification: Likely pathogenic for Familial cancer of breast. Last evaluated: 2019-11-14. Review status: criteria provided, single submitter. Criteria: Invitae Variant Classification Sherloc (09022015). Collection method: clinical testing. Allele origin: germline.
Comment: This variant has not been reported in the literature in individuals with PALB2-related disease. This variant is an in-frame deletion of the genomic region encompassing exons 8-11 of the PALB2 gene. It preserves the integrity of the reading frame. This variant is expected to disrupt the WD40 domain of the PALB2 protein, which directly interacts with BRCA2 and RAD51C, and thereby likely interferes with DNA repair function (PMID: 17420451, 19584259, 24141787). In summary, the currently available evidence indicates that the variant is pathogenic, but additional data are needed to prove that conclusively. Therefore, this variant has been classified as Likely Pathogenic.

Literature cited by the submitters: PubMed 17420451; PubMed 19584259; PubMed 24141787.

NC_000016.10:g.(?_23613994)_(23624104_?)del

Gene: PALB2 (partner and localizer of BRCA2; minus strand). Cytogenetic location: 16p12.2.
Variant type: Deletion.
Identifiers: ClinVar variation 660136 (VCV000660136.7).